The following is an entry in ClinVar:

ClinVar aggregate classification (germline): Uncertain significance (1 of 4 stars; one submission).

Submission:

Labcorp Genetics (formerly Invitae), Labcorp
Classification: Uncertain significance. Last evaluated: 2025-10-29. Review status: criteria provided, single submitter. Criteria: Invitae Variant Classification Sherloc (09022015). Collection method: clinical testing. Allele origin: germline.
Comment: This sequence change replaces isoleucine, which is neutral and non-polar, with valine, which is neutral and non-polar, at codon 605 of the TRPV6 protein (p.Ile605Val). This variant is not present in population databases (gnomAD no frequency). This variant has not been reported in the literature in individuals affected with TRPV6-related conditions. Experimental studies and prediction algorithms are not available or were not evaluated, and the functional significance of this variant is currently unknown. In summary, the available evidence is currently insufficient to determine the role of this variant in disease. Therefore, it has been classified as a Variant of Uncertain Significance.

NM_018646.6(TRPV6):c.1813A>G (p.Ile605Val)

Gene: TRPV6 (transient receptor potential cation channel subfamily V member 6; minus strand). Cytogenetic location: 7q34.
Variant type: single nucleotide variant.
Coding change: c.1813A>G on transcript NM_018646.6 (MANE Select); coding-DNA position 1813, A replaced by G.
Protein change: p.Ile605Val; replaces isoleucine 605 with valine.
Molecular consequence: missense variant.
Genome position (GRCh38, 1-based): chr7:142,873,543, T>C on the plus strand (A>G on the coding strand, the complement: TRPV6 is on the minus strand). VCF-style: chr7-142873543-T-C. GRCh37 (hg19) VCF-style: chr7-142571296-T-C.
Other names: short protein forms I605V.
Identifiers: ClinVar variation 4702526 (VCV004702526.1).